The following is an entry in ClinVar:

ClinVar aggregate classification (germline): Uncertain significance. Review status: criteria provided, single submitter (1 of 4 stars). 2 submissions from 2 submitters: Uncertain significance (1). 1 of the submissions does not count toward it. Last evaluated 2022-06-12.

Conditions:
Retinal dystrophy. Also called: Inherited retinal dystrophy. Identifiers: Orphanet 71862, MedGen C0854723, MeSH D058499, MONDO:0019118, HP:0000556.

Allele frequency attached by ClinVar (database versions not stated): gnomAD 0.00002; TOPMed 0.00002; ExAC 0.00003; gnomAD exomes 0.00005; ESP Exome Variant Server 0.00015.
gnomAD v4.1: 78 of 1,614,118 alleles (0.0048%); highest among the groups gnomAD compares: Non-Finnish European, 0.0064%; no homozygotes.

Submissions (2):

Labcorp Genetics (formerly Invitae), Labcorp
Classification: Uncertain significance. Last evaluated: 2022-06-12. Review status: criteria provided, single submitter. Criteria: Invitae Variant Classification Sherloc (09022015). Collection method: clinical testing. Allele origin: germline.
Comment: This sequence change replaces lysine, which is basic and polar, with arginine, which is basic and polar, at codon 375 of the TEAD1 protein (p.Lys375Arg). In summary, the available evidence is currently insufficient to determine the role of this variant in disease. Therefore, it has been classified as a Variant of Uncertain Significance. Algorithms developed to predict the effect of missense changes on protein structure and function (SIFT, PolyPhen-2, Align-GVGD) all suggest that this variant is likely to be tolerated. This variant has not been reported in the literature in individuals affected with TEAD1-related conditions. This variant is present in population databases (rs145107606, gnomAD 0.007%).

Institute of Human Genetics, Univ. Regensburg, Univ. Regensburg
Classification: Uncertain significance for Retinal dystrophy. Last evaluated: 2022-01-01. Review status: no assertion criteria provided. Criteria: ACMG Guidelines, 2015. Collection method: clinical testing. Allele origin: germline. Affected: yes. Not counted in ClinVar's aggregate classification.

NM_021961.6(TEAD1):c.1124A>G (p.Lys375Arg)

Gene: TEAD1 (TEA domain transcription factor 1; plus strand). Cytogenetic location: 11p15.3.
Variant type: single nucleotide variant.
Coding change: c.1124A>G on transcript NM_021961.6 (MANE Select); coding-DNA position 1124, A replaced by G.
Protein change: p.Lys375Arg; replaces lysine 375 with arginine.
Molecular consequence: missense variant.
Genome position (GRCh38, 1-based): chr11:12,930,283, A>G. VCF-style: chr11-12930283-A-G. GRCh37 (hg19) VCF-style: chr11-12951830-A-G.
Other names: short protein forms K375R.
Identifiers: ClinVar variation 1918397 (VCV001918397.6), dbSNP rs145107606, ClinGen allele CA5891817.